The following is an entry in ClinVar:

NM_004655.4(AXIN2):c.732G>T (p.Ser244=)

Gene: AXIN2 (axin 2; minus strand). Cytogenetic location: 17q24.1.
Variant type: single nucleotide variant.
Coding change: c.732G>T on transcript NM_004655.4 (MANE Select); coding-DNA position 732, G replaced by T.
Protein change: p.Ser244=; no amino-acid change (serine 244 retained).
Molecular consequence: synonymous variant.
Genome position (GRCh38, 1-based): chr17:65,557,889, C>A on the plus strand (G>T on the coding strand, the complement: AXIN2 is on the minus strand). VCF-style: chr17-65557889-C-A. GRCh37 (hg19) VCF-style: chr17-63554007-C-A.
Other names: c.732G>T, p.Ser244= (NM_001363813.1).
Identifiers: ClinVar variation 2451672 (VCV002451672.6), dbSNP rs939121047, ClinGen allele CA293107126.

ClinVar aggregate classification (germline): Benign/Likely benign. Review status: criteria provided, multiple submitters, no conflicts (2 of 4 stars). 3 submissions from 3 submitters: Benign (1); Likely benign (2). Last evaluated 2025-01-13.

Conditions:
Oligodontia-cancer predisposition syndrome. Also called: TOOTH AGENESIS-COLORECTAL CANCER SYNDROME. Identifiers: Orphanet 300576, MedGen C1837750, MONDO:0012075, OMIM 608615. Disease mechanism: loss of function.
Hereditary cancer-predisposing syndrome. Also called: Neoplastic Syndromes, Hereditary; Tumor predisposition; Hereditary neoplastic syndrome; Hereditary Cancer Syndrome. Identifiers: Orphanet 140162, MedGen C0027672, MeSH D009386, MONDO:0015356.

Allele frequency attached by ClinVar (database versions not stated): TOPMed 0.00002.
gnomAD v4.1: 1 of 1,614,148 alleles (0.000062%); highest among the groups gnomAD compares: East Asian, 0.0022%; no homozygotes.

Submissions (3):

Labcorp Genetics (formerly Invitae), Labcorp
Classification: Likely benign for Oligodontia-cancer predisposition syndrome. Last evaluated: 2025-01-13. Review status: criteria provided, single submitter. Criteria: Invitae Variant Classification Sherloc (09022015). Collection method: clinical testing. Allele origin: germline.

Myriad Genetics, Inc.
Classification: Benign for Oligodontia-cancer predisposition syndrome. Last evaluated: 2024-06-27. Review status: criteria provided, single submitter. Criteria: Myriad Autosomal Dominant, Autosomal Recessive and X-Linked Classification Criteria (2023). Collection method: clinical testing. Allele origin: unknown.
Comment: This variant is considered benign. This variant is a silent/synonymous amino acid change and it is not expected to impact splicing.

Ambry Genetics
Classification: Likely benign for Hereditary cancer-predisposing syndrome. Last evaluated: 2023-03-02. Review status: criteria provided, single submitter. Criteria: Ambry Variant Classification Scheme 2023. Collection method: clinical testing. Allele origin: germline.